The following is an entry in ClinVar:

NM_001987.5(ETV6):c.251G>C (p.Ser84Thr)

Genes: ETV6 (ETS variant transcription factor 6; plus strand), LOC126861451 (BRD4-independent group 4 enhancer GRCh37_chr12:11991350-11992549; plus strand). Cytogenetic location: 12p13.2.
Variant type: single nucleotide variant.
Coding change: c.251G>C on transcript NM_001987.5 (MANE Select); coding-DNA position 251, G replaced by C.
Protein change: p.Ser84Thr; replaces serine 84 with threonine.
Molecular consequence: missense variant. On other transcripts: 5 prime UTR variant (1).
Genome position (GRCh38, 1-based): chr12:11,839,227, G>C. VCF-style: chr12-11839227-G-C. GRCh37 (hg19) VCF-style: chr12-11992161-G-C.
Other names: c.248G>C, p.Ser83Thr (NM_001413913.1); c.224G>C, p.Ser75Thr (NM_001413914.1); c.-14G>C (NM_001413915.1); c.251G>C, p.Ser84Thr (NM_001413916.1, NM_001413917.1, NM_001413918.1); short protein forms S75T, S83T, S84T.
Identifiers: ClinVar variation 2960099 (VCV002960099.5), dbSNP rs758542723, ClinGen allele CA6454185.

ClinVar aggregate classification (germline): Uncertain significance. Review status: criteria provided, multiple submitters, no conflicts (2 of 4 stars). 3 submissions from 3 submitters: Uncertain significance (3). Last evaluated 2025-04-18.

Conditions:
Inborn genetic diseases. Identifiers: MedGen C0950123, MeSH D030342.

Allele frequency attached by ClinVar (database versions not stated): ExAC 0.00001; gnomAD 0.00001.
gnomAD v4.1: 2 of 1,614,130 alleles (0.00012%); highest among the groups gnomAD compares: East Asian, 0.0022%; no homozygotes.

Submissions (3):

Ambry Genetics
Classification: Uncertain significance for Inborn genetic diseases. Last evaluated: 2025-04-18. Review status: criteria provided, single submitter. Criteria: Ambry Variant Classification Scheme 2023. Collection method: clinical testing. Allele origin: germline.
Comment: The p.S84T variant (also known as c.251G>C), located in coding exon 3 of the ETV6 gene, results from a G to C substitution at nucleotide position 251. The serine at codon 84 is replaced by threonine, an amino acid with similar properties. This amino acid position is conserved. In addition, this alteration is predicted to be tolerated by in silico analysis. Based on the available evidence, the clinical significance of this variant remains unclear.

Labcorp Genetics (formerly Invitae), Labcorp
Classification: Uncertain significance. Last evaluated: 2023-11-04. Review status: criteria provided, single submitter. Criteria: Invitae Variant Classification Sherloc (09022015). Collection method: clinical testing. Allele origin: germline.
Comment: This sequence change replaces serine, which is neutral and polar, with threonine, which is neutral and polar, at codon 84 of the ETV6 protein (p.Ser84Thr). This variant is present in population databases (rs758542723, gnomAD 0.006%). This variant has not been reported in the literature in individuals affected with ETV6-related conditions. Advanced modeling of protein sequence and biophysical properties (such as structural, functional, and spatial information, amino acid conservation, physicochemical variation, residue mobility, and thermodynamic stability) performed at Invitae indicates that this missense variant is not expected to disrupt ETV6 protein function with a negative predictive value of 80%. In summary, the available evidence is currently insufficient to determine the role of this variant in disease. Therefore, it has been classified as a Variant of Uncertain Significance.

Blueprint Genetics
Classification: Uncertain significance. Last evaluated: 2022-07-04. Review status: criteria provided, single submitter. Criteria: ACMG Guidelines, 2015. Collection method: clinical testing. Allele origin: germline.